The following is an entry in ClinVar:

NM_001029883.3(PCARE):c.1142A>G (p.Lys381Arg)

Gene: PCARE (photoreceptor cilium actin regulator; minus strand). Cytogenetic location: 2p23.2.
Variant type: single nucleotide variant.
Coding change: c.1142A>G on transcript NM_001029883.3 (MANE Select); coding-DNA position 1142, A replaced by G.
Protein change: p.Lys381Arg; replaces lysine 381 with arginine.
Molecular consequence: missense variant.
Genome position (GRCh38, 1-based): chr2:29,073,120, T>C on the plus strand (A>G on the coding strand, the complement: PCARE is on the minus strand). VCF-style: chr2-29073120-T-C. GRCh37 (hg19) VCF-style: chr2-29295986-T-C.
Other names: short protein forms K381R.
Identifiers: ClinVar variation 1407775 (VCV001407775.6), dbSNP rs1467990940, ClinGen allele CA346480807.

ClinVar aggregate classification (germline): Uncertain significance (1 of 4 stars; one submission).

Allele frequency attached by ClinVar (database versions not stated): TOPMed below 0.00001.

Submission:

Labcorp Genetics (formerly Invitae), Labcorp
Classification: Uncertain significance. Last evaluated: 2024-11-11. Review status: criteria provided, single submitter. Criteria: Invitae Variant Classification Sherloc (09022015). Collection method: clinical testing. Allele origin: germline.
Comment: This sequence change replaces lysine, which is basic and polar, with arginine, which is basic and polar, at codon 381 of the PCARE protein (p.Lys381Arg). This variant is not present in population databases (gnomAD no frequency). This variant has not been reported in the literature in individuals affected with PCARE-related conditions. ClinVar contains an entry for this variant (Variation ID: 1407775). An algorithm developed to predict the effect of missense changes on protein structure and function outputs the following: PolyPhen-2: "Benign". The arginine amino acid residue is found in multiple mammalian species, which suggests that this missense change does not adversely affect protein function. In summary, the available evidence is currently insufficient to determine the role of this variant in disease. Therefore, it has been classified as a Variant of Uncertain Significance.